The following is an entry in ClinVar:

ClinVar aggregate classification (germline): Conflicting classifications of pathogenicity. Review status: criteria provided, conflicting classifications (1 of 4 stars). 4 submissions from 4 submitters: Uncertain significance (3); Likely benign (1). Last evaluated 2026-04-20.

Conditions:
Cardiovascular phenotype. Identifiers: MedGen CN230736.

Allele frequency attached by ClinVar (database versions not stated): gnomAD 0.00028; 1000 Genomes Project 30x 0.00031; ESP Exome Variant Server 0.00031; TOPMed 0.00039; gnomAD exomes 0.00002; ExAC 0.00008; 1000 Genomes Project 0.00020.
gnomAD v4.1: 78 of 1,614,200 alleles (0.0048%); highest among the groups gnomAD compares: African/African-American, 0.097%; no homozygotes.

Submissions (4):

Women's Health and Genetics/Laboratory Corporation of America, LabCorp
Classification: Uncertain significance. Last evaluated: 2026-04-20. Review status: criteria provided, single submitter. Criteria: LabCorp Variant Classification Summary - May 2015. Collection method: clinical testing. Allele origin: germline.

Mayo Clinic Laboratories, Mayo Clinic
Classification: Uncertain significance. Last evaluated: 2025-09-06. Review status: criteria provided, single submitter. Criteria: ACMG Guidelines, 2015. Collection method: clinical testing. Allele origin: germline. Observed: 1 variant allele.
Comment: BP4

Ambry Genetics
Classification: Likely benign for Cardiovascular phenotype. Last evaluated: 2024-02-19. Review status: criteria provided, single submitter. Criteria: Ambry Variant Classification Scheme 2023. Collection method: clinical testing. Allele origin: germline.

Labcorp Genetics (formerly Invitae), Labcorp
Classification: Uncertain significance. Last evaluated: 2022-08-31. Review status: criteria provided, single submitter. Criteria: Invitae Variant Classification Sherloc (09022015). Collection method: clinical testing. Allele origin: germline.
Comment: This sequence change replaces lysine, which is basic and polar, with arginine, which is basic and polar, at codon 271 of the PRDM5 protein (p.Lys271Arg). This variant is present in population databases (rs144553125, gnomAD 0.08%). This variant has not been reported in the literature in individuals affected with PRDM5-related conditions. Algorithms developed to predict the effect of missense changes on protein structure and function are either unavailable or do not agree on the potential impact of this missense change (SIFT: "Deleterious"; PolyPhen-2: "Benign"; Align-GVGD: "Class C25"). In summary, the available evidence is currently insufficient to determine the role of this variant in disease. Therefore, it has been classified as a Variant of Uncertain Significance.

NM_018699.4(PRDM5):c.812A>G (p.Lys271Arg)

Gene: PRDM5 (PR/SET domain 5; minus strand). Cytogenetic location: 4q27.
Variant type: single nucleotide variant.
Coding change: c.812A>G on transcript NM_018699.4 (MANE Select); coding-DNA position 812, A replaced by G.
Protein change: p.Lys271Arg; replaces lysine 271 with arginine.
Molecular consequence: missense variant.
Genome position (GRCh38, 1-based): chr4:120,816,506, T>C on the plus strand (A>G on the coding strand, the complement: PRDM5 is on the minus strand). VCF-style: chr4-120816506-T-C. GRCh37 (hg19) VCF-style: chr4-121737661-T-C.
Other names: p.Lys271Arg; c.719A>G, p.Lys240Arg (NM_001300823.2, NM_001300824.2, NM_001379106.1); c.812A>G, p.Lys271Arg (NM_001379104.1); c.812A>G (NM_018699.3); short protein forms K240R, K271R.
Identifiers: ClinVar variation 2061429 (VCV002061429.4), dbSNP rs144553125, ClinGen allele CA3061278.
Genomic context (GRCh38, chr4:120,816,506, plus strand): 5'-TCCTCACCAGTGTGGACATTTTCCTGGTGTCTTTTCAGGGCATCCTTGCTCTTCAGCCTC[T>C]TTCCACAGCTGTCAGCCTTGCACACAAACCTGGCATCCCCCCGGCAAGTCTCCTGGTGCT-3'
Protein context (NP_061169.2, residues 261-281): RFVCKADSCG[Lys271Arg]RLKSKDALKR